The following is an entry in ClinVar:

NM_000465.4(BARD1):c.825A>C (p.Leu275Phe)

Gene: BARD1 (BRCA1 associated RING domain 1; minus strand). Cytogenetic location: 2q35.
Variant type: single nucleotide variant.
Coding change: c.825A>C on transcript NM_000465.4 (MANE Select); coding-DNA position 825, A replaced by C.
Protein change: p.Leu275Phe; replaces leucine 275 with phenylalanine.
Molecular consequence: missense variant. On other transcripts: non-coding transcript variant (2), intron variant (3).
Genome position (GRCh38, 1-based): chr2:214,781,049, T>G on the plus strand (A>C on the coding strand, the complement: BARD1 is on the minus strand). VCF-style: chr2-214781049-T-G. GRCh37 (hg19) VCF-style: chr2-215645773-T-G.
Other names: c.768A>C, p.Leu256Phe (NM_001282543.2); c.158+28363A>C (NM_001282548.2); c.215+16012A>C (NM_001282545.2); c.364+11248A>C (NM_001282549.2); short protein forms L256F, L275F.
Identifiers: ClinVar variation 1692450 (VCV001692450.2), dbSNP rs2106110284, ClinGen allele CA350455429.

ClinVar aggregate classification (germline): Uncertain significance. Review status: criteria provided, multiple submitters, no conflicts (2 of 4 stars). 2 submissions from 2 submitters: Uncertain significance (2). Last evaluated 2024-12-04.

Conditions:
Hereditary cancer-predisposing syndrome. Also called: Hereditary Cancer Syndrome; Hereditary neoplastic syndrome; Neoplastic Syndromes, Hereditary; Tumor predisposition. Identifiers: Orphanet 140162, MedGen C0027672, MeSH D009386, MONDO:0015356.

Submissions (2):

Ambry Genetics
Classification: Uncertain significance for Hereditary cancer-predisposing syndrome. Last evaluated: 2024-12-04. Review status: criteria provided, single submitter. Criteria: Ambry Variant Classification Scheme 2023. Collection method: clinical testing. Allele origin: germline.
Comment: The p.L275F variant (also known as c.825A>C), located in coding exon 4 of the BARD1 gene, results from an A to C substitution at nucleotide position 825. The leucine at codon 275 is replaced by phenylalanine, an amino acid with highly similar properties. This amino acid position is conserved. In addition, this alteration is predicted to be tolerated by in silico analysis. Based on the available evidence, the clinical significance of this variant remains unclear.

Sema4
Classification: Uncertain significance for Hereditary cancer-predisposing syndrome. Last evaluated: 2022-03-16. Review status: criteria provided, single submitter. Criteria: Sema4 Curation Guidelines. Collection method: curation. Allele origin: germline.
Comment: The BARD1 c.825A>C (p.L275F) variant has not been reported in the literature to our knowledge. It was not observed in the large and broad cohorts of the Genome Aggregation Database (PMID: 32461654). This variant has not been reported in ClinVar. In silico tools suggest the impact of the variant on protein function is benign, though these predictions have not been confirmed by functional studies. The evidence is insufficient to meet ACMG/AMP criteria for classifying the variant as benign or pathogenic. Thus, the clinical significance of this variant is currently uncertain.